The following is an entry in ClinVar:

NM_152773.5(DYNLT2B):c.263del (p.Arg88fs)

Gene: DYNLT2B (dynein light chain Tctex-type 2B; minus strand). Cytogenetic location: 3q29.
Variant type: Deletion.
Coding change: c.263del on transcript NM_152773.5 (MANE Select); coding-DNA position 263, one base deleted (G; older notation c.263delG).
Protein change: p.Arg88fs; shifts the reading frame from arginine 88.
Molecular consequence: frameshift variant.
Genome position (GRCh38, 1-based): chr3:196,306,997, C deleted on the plus strand (G on the coding strand, the reverse complement: DYNLT2B is on the minus strand). VCF-style (leftmost placement, unchanged base first): chr3-196306996-TC-T. GRCh37 (hg19) VCF-style: chr3-196033867-TC-T.
Other names: c.263del, p.Arg88fs (NM_001351628.2); short protein forms R88fs.
Identifiers: ClinVar variation 4729518 (VCV004729518.1).

ClinVar aggregate classification (germline): Pathogenic (1 of 4 stars; one submission).

Submission:

Labcorp Genetics (formerly Invitae), Labcorp
Classification: Pathogenic. Last evaluated: 2025-10-19. Review status: criteria provided, single submitter. Criteria: Invitae Variant Classification Sherloc (09022015). Collection method: clinical testing. Allele origin: germline.
Comment: This sequence change creates a premature translational stop signal (p.Arg88Hisfs*8) in the TCTEX1D2 gene. It is expected to result in an absent or disrupted protein product. Loss-of-function variants in TCTEX1D2 are known to be pathogenic (PMID: 26044572). This variant is not present in population databases (gnomAD no frequency). This variant has not been reported in the literature in individuals affected with TCTEX1D2-related conditions. For these reasons, this variant has been classified as Pathogenic.

Literature cited by the submitters: PubMed 26044572.